The following is an entry in ClinVar:

ClinVar aggregate classification (germline): Uncertain significance (1 of 4 stars; one submission).

Submission:

GeneDx
Classification: Uncertain significance. Last evaluated: 2025-04-04. Review status: criteria provided, single submitter. Criteria: GeneDx Variant Classification Process June 2021. Collection method: clinical testing. Allele origin: germline. Affected: yes.
Comment: Not observed at significant frequency in large population cohorts (gnomAD); In silico analysis supports that this missense variant has a deleterious effect on protein structure/function; Has not been previously published as pathogenic or benign to our knowledge; In silico analysis is inconclusive as to whether the variant alters gene splicing. In the absence of RNA/functional studies, the actual effect of this sequence change is unknown.

NM_006767.4(LZTR1):c.1808T>C (p.Val603Ala)

Gene: LZTR1 (leucine zipper like post translational regulator 1; plus strand). Cytogenetic location: 22q11.21.
Variant type: single nucleotide variant.
Coding change: c.1808T>C on transcript NM_006767.4 (MANE Select); coding-DNA position 1808, T replaced by C.
Protein change: p.Val603Ala; replaces valine 603 with alanine.
Molecular consequence: missense variant.
Genome position (GRCh38, 1-based): chr22:20,994,892, T>C. VCF-style: chr22-20994892-T-C. GRCh37 (hg19) VCF-style: chr22-21349181-T-C.
Other names: short protein forms V603A.
Identifiers: ClinVar variation 4278515 (VCV004278515.1).